The following is an entry in ClinVar:

NM_001129.5(AEBP1):c.848C>T (p.Pro283Leu)

Gene: AEBP1 (AE binding protein 1; plus strand). Cytogenetic location: 7p13.
Variant type: single nucleotide variant.
Coding change: c.848C>T on transcript NM_001129.5 (MANE Select); coding-DNA position 848, C replaced by T.
Protein change: p.Pro283Leu; replaces proline 283 with leucine.
Molecular consequence: missense variant.
Genome position (GRCh38, 1-based): chr7:44,107,917, C>T. VCF-style: chr7-44107917-C-T. GRCh37 (hg19) VCF-style: chr7-44147516-C-T.
Other names: short protein forms P283L.
Identifiers: ClinVar variation 1438944 (VCV001438944.4), dbSNP rs756870217, ClinGen allele CA4237647.

ClinVar aggregate classification (germline): Uncertain significance (1 of 4 stars; one submission).

Allele frequency attached by ClinVar (database versions not stated): ExAC 0.00003; TOPMed 0.00003; gnomAD 0.00004; gnomAD exomes 0.00004.

Submission:

Labcorp Genetics (formerly Invitae), Labcorp
Classification: Uncertain significance. Last evaluated: 2025-01-06. Review status: criteria provided, single submitter. Criteria: Invitae Variant Classification Sherloc (09022015). Collection method: clinical testing. Allele origin: germline.
Comment: This sequence change replaces proline, which is neutral and non-polar, with leucine, which is neutral and non-polar, at codon 283 of the AEBP1 protein (p.Pro283Leu). This variant is present in population databases (rs756870217, gnomAD 0.007%). This variant has not been reported in the literature in individuals affected with AEBP1-related conditions. ClinVar contains an entry for this variant (Variation ID: 1438944). An algorithm developed to predict the effect of missense changes on protein structure and function (PolyPhen-2) suggests that this variant¬†is likely to be tolerated. In summary, the available evidence is currently insufficient to determine the role of this variant in disease. Therefore, it has been classified as a Variant of Uncertain Significance.